The following is an entry in ClinVar:

ClinVar aggregate classification (germline): Uncertain significance. Review status: criteria provided, multiple submitters, no conflicts (2 of 4 stars). 5 submissions from 5 submitters: Uncertain significance (5). Last evaluated 2025-12-12.

Conditions:
Hereditary cancer-predisposing syndrome. Also called: Tumor predisposition; Hereditary Cancer Syndrome; Hereditary neoplastic syndrome; Neoplastic Syndromes, Hereditary. Identifiers: Orphanet 140162, MedGen C0027672, MeSH D009386, MONDO:0015356.
Breast-ovarian cancer, familial, susceptibility to, 4. Identifiers: Orphanet 145, MedGen C3280345, MONDO:0013669, OMIM 614291.

Submissions (5):

Labcorp Genetics (formerly Invitae), Labcorp
Classification: Uncertain significance for Breast-ovarian cancer, familial, susceptibility to, 4. Last evaluated: 2025-12-12. Review status: criteria provided, single submitter. Criteria: Invitae Variant Classification Sherloc (09022015). Collection method: clinical testing. Allele origin: germline.
Comment: This sequence change replaces proline, which is neutral and non-polar, with glutamine, which is neutral and polar, at codon 214 of the RAD51D protein (p.Pro214Gln). This variant is not present in population databases (gnomAD no frequency). This variant has not been reported in the literature in individuals affected with RAD51D-related conditions. ClinVar contains an entry for this variant (Variation ID: 410545). Invitae Evidence Modeling of protein sequence and biophysical properties (such as structural, functional, and spatial information, amino acid conservation, physicochemical variation, residue mobility, and thermodynamic stability) indicates that this missense variant is not expected to disrupt RAD51D protein function with a negative predictive value of 80%. In summary, the available evidence is currently insufficient to determine the role of this variant in disease. Therefore, it has been classified as a Variant of Uncertain Significance.

Color Diagnostics, LLC DBA Color Health
Classification: Uncertain significance for Hereditary cancer-predisposing syndrome. Last evaluated: 2024-03-06. Review status: criteria provided, single submitter. Criteria: ACMG Guidelines, 2015. Collection method: clinical testing. Allele origin: germline.
Comment: This missense variant replaces proline with glutamine at codon 214 of the RAD51D protein. Computational prediction suggests that this variant may not impact protein structure and function (internally defined REVEL score threshold <= 0.5, PMID: 27666373). To our knowledge, functional studies have not been reported for this variant. This variant has not been reported in individuals affected with hereditary cancer in the literature. This variant has not been identified in the general population by the Genome Aggregation Database (gnomAD). The available evidence is insufficient to determine the role of this variant in disease conclusively. Therefore, this variant is classified as a Variant of Uncertain Significance.

Quest Diagnostics Nichols Institute San Juan Capistrano
Classification: Uncertain significance. Last evaluated: 2024-02-02. Review status: criteria provided, single submitter. Criteria: Quest Diagnostics criteria. Collection method: clinical testing. Allele origin: unknown.
Comment: The RAD51D c.641C>A (p.Pro214Gln) variant has not been reported in individuals with RAD51D-related conditions in the published literature. It also has not been reported in large, multi-ethnic general populations (Genome Aggregation Database). Analysis of this variant using bioinformatics tools for the prediction of the effect of amino acid changes on protein structure and function yielded conflicting predictions that this variant is benign or damaging. Based on the available information, we are unable to determine the clinical significance of this variant.

Ambry Genetics
Classification: Uncertain significance for Hereditary cancer-predisposing syndrome. Last evaluated: 2023-02-24. Review status: criteria provided, single submitter. Criteria: Ambry Variant Classification Scheme 2023. Collection method: clinical testing. Allele origin: germline.
Comment: The p.P214Q variant (also known as c.641C>A), located in coding exon 7 of the RAD51D gene, results from a C to A substitution at nucleotide position 641. The proline at codon 214 is replaced by glutamine, an amino acid with similar properties. This amino acid position is highly conserved in available vertebrate species. In addition, this alteration is predicted to be deleterious by in silico analysis. Since supporting evidence is limited at this time, the clinical significance of this alteration remains unclear.

MGZ Medical Genetics Center
Classification: Uncertain significance for Breast-ovarian cancer, familial, susceptibility to, 4. Last evaluated: 2022-07-26. Review status: criteria provided, single submitter. Criteria: ACMG Guidelines, 2015. Collection method: clinical testing. Allele origin: germline. Affected: yes. Observed: 1 variant allele.
Comment: ACMG criteria applied: PM2_SUP, BP4

NM_002878.4(RAD51D):c.641C>A (p.Pro214Gln)

Genes: RAD51D (RAD51 paralog D; minus strand), RAD51L3-RFFL (RAD51L3-RFFL readthrough; minus strand). Cytogenetic location: 17q12.
Variant type: single nucleotide variant.
Coding change: c.641C>A on transcript NM_002878.4 (MANE Select); coding-DNA position 641, C replaced by A.
Protein change: p.Pro214Gln; replaces proline 214 with glutamine.
Molecular consequence: missense variant. On other transcripts: non-coding transcript variant (3).
Genome position (GRCh38, 1-based): chr17:35,103,480, G>T on the plus strand (C>A on the coding strand, the complement: RAD51D is on the minus strand). VCF-style: chr17-35103480-G-T. GRCh37 (hg19) VCF-style: chr17-33430499-G-T.
Other names: c.701C>A, p.Pro234Gln (NM_001142571.2); c.305C>A, p.Pro102Gln (NM_133629.3); short protein forms P214Q, P234Q, P102Q.
Identifiers: ClinVar variation 410545 (VCV000410545.20), dbSNP rs910355512, ClinGen allele CA16615314.